The following is an entry in ClinVar:

NC_000005.9:g.(?_138643105)_(138644036_?)dup

Gene: MATR3 (matrin 3; plus strand). Cytogenetic location: 5q31.2.
Variant type: Duplication.
Identifiers: ClinVar variation 1412988 (VCV001412988.6).

ClinVar aggregate classification (germline): Uncertain significance (1 of 4 stars; one submission).

Conditions:
Amyotrophic lateral sclerosis type 21. Also called: VOCAL CORD AND PHARYNGEAL DYSFUNCTION WITH DISTAL MYOPATHY; MYOPATHY, DISTAL, 2. Identifiers: Orphanet 600, Orphanet 803, MedGen C3807521, MONDO:0011632, OMIM 606070.

Submission:

Labcorp Genetics (formerly Invitae), Labcorp
Classification: Uncertain significance for Amyotrophic lateral sclerosis type 21. Last evaluated: 2021-06-25. Review status: criteria provided, single submitter. Criteria: Invitae Variant Classification Sherloc (09022015). Collection method: clinical testing. Allele origin: germline.
Comment: In summary, the available evidence is currently insufficient to determine the role of this variant in disease. Therefore, it has been classified as a Variant of Uncertain Significance. Experimental studies and prediction algorithms are not available or were not evaluated, and the functional significance of this variant is currently unknown. This variant results in a copy number gain of the genomic region encompassing exon(s) 5 of the MATR3 gene. This region includes the initiator codon of the gene. The 5' end of this event is unknown as it extends beyond the assayed region for this gene and therefore may encompass additional genes. The 3' boundary is likely confined to intron 5 of the MATR3 gene. As the precise location of this event is unknown, it may be in tandem or it may be located elsewhere in the genome. This variant has not been reported in the literature in individuals affected with MATR3-related conditions.